The following is an entry in ClinVar:

ClinVar aggregate classification (germline): Uncertain significance (1 of 4 stars; one submission).

Allele frequency attached by ClinVar (database versions not stated): gnomAD exomes below 0.00001; TOPMed below 0.00001; ExAC 0.00001.

Submission:

Labcorp Genetics (formerly Invitae), Labcorp
Classification: Uncertain significance. Last evaluated: 2021-05-01. Review status: criteria provided, single submitter. Criteria: Invitae Variant Classification Sherloc (09022015). Collection method: clinical testing. Allele origin: germline.
Comment: In summary, the available evidence is currently insufficient to determine the role of this variant in disease. Therefore, it has been classified as a Variant of Uncertain Significance. Algorithms developed to predict the effect of missense changes on protein structure and function are either unavailable or do not agree on the potential impact of this missense change (SIFT: "Deleterious"; PolyPhen-2: "Probably Damaging"; Align-GVGD: "Class C0"). This variant has not been reported in the literature in individuals with SLC4A1-related conditions. This variant is present in population databases (rs754416860, ExAC 0.002%). This sequence change replaces tryptophan with arginine at codon 848 of the SLC4A1 protein (p.Trp848Arg). The tryptophan residue is moderately conserved and there is a moderate physicochemical difference between tryptophan and arginine.

NM_000342.4(SLC4A1):c.2542T>C (p.Trp848Arg)

Gene: SLC4A1 (solute carrier family 4 member 1 (Diego blood group); minus strand). Cytogenetic location: 17q21.31.
Variant type: single nucleotide variant.
Coding change: c.2542T>C on transcript NM_000342.4 (MANE Select); coding-DNA position 2542, T replaced by C.
Protein change: p.Trp848Arg; replaces tryptophan 848 with arginine.
Molecular consequence: missense variant.
Genome position (GRCh38, 1-based): chr17:44,251,272, A>G on the plus strand (T>C on the coding strand, the complement: SLC4A1 is on the minus strand). VCF-style: chr17-44251272-A-G. GRCh37 (hg19) VCF-style: chr17-42328640-A-G.
Other names: short protein forms W848R.
Identifiers: ClinVar variation 1436242 (VCV001436242.8), dbSNP rs754416860, ClinGen allele CA8600001.